The following is an entry in ClinVar:

ClinVar aggregate classification (germline): Uncertain significance (1 of 4 stars; one submission).

Conditions:
Pelizaeus-Merzbacher disease. Also called: Sudanophilic leukodystrophy; Pelizaeus-Merzbacher spectrum disorder; Pelizaeus-Merzbacher Disease (PMD); Pelizeaus-Merzbacher spectrum disorder; LEUKODYSTROPHY, HYPOMYELINATING, 1. Identifiers: Orphanet 702, MedGen C0205711, MONDO:0010714, OMIM 312080, HP:0003269.

gnomAD v4.1: 2 of 1,207,728 alleles (0.00017%); highest among the groups gnomAD compares: South Asian, 0.0035%; no homozygotes.

Submission:

Foundation for Research in Genetics and Endocrinology, FRIGE's Institute of Human Genetics
Classification: Uncertain significance for Pelizaeus-Merzbacher disease. Last evaluated: 2025-08-01. Review status: criteria provided, single submitter. Criteria: ACMG Guidelines, 2015. Collection method: clinical testing. Allele origin: germline. Inheritance: X-linked inheritance. Affected: yes. Observed: 1 hemizygote.
Comment: The hemizygous missense variant c.512C>G; p.Ala171Gly, has been detected in the PLP1 gene on chromosomal position chrX:103787856:C>G. This variant is noted to have a total depth of 58X. It is located in exon 4 and it leads to a change in amino acid from Alanine to Glycine at codon 171. This variant has been reported in population frequency databases such as gnomAD (MAF-0.0002%) and not reported in ExAC. This variant is predicted to be deleterious by in silico prediction tools such as Revel, MutationTaster, DANN, MetaLR, PrimateAI and BayesDel. In summary, the variant meets our criteria to be classified as variant of uncertain significance.

NM_000533.5(PLP1):c.512C>G (p.Ala171Gly)

Genes: PLP1 (proteolipid protein 1; plus strand), RAB9B (RAB9B, member RAS oncogene family; minus strand). Cytogenetic location: Xq22.2.
Variant type: single nucleotide variant.
Coding change: c.512C>G on transcript NM_000533.5 (MANE Select); coding-DNA position 512, C replaced by G.
Protein change: p.Ala171Gly; replaces alanine 171 with glycine.
Molecular consequence: missense variant.
Genome position (GRCh38, 1-based): chrX:103,787,856, C>G. VCF-style: chrX-103787856-C-G. GRCh37 (hg19) VCF-style: chrX-103042785-C-G.
Other names: p.Ala171Gly; c.512C>G, p.Ala171Gly (NM_001128834.3); c.347C>G, p.Ala116Gly (NM_001305004.1); c.407C>G, p.Ala136Gly (NM_199478.3); short protein forms A116G, A136G, A171G.
Identifiers: ClinVar variation 4082211 (VCV004082211.1).